The following is an entry in ClinVar:

NM_001190274.2(FBXO11):c.1703-3T>C

Gene: FBXO11 (F-box protein 11; minus strand). Cytogenetic location: 2p16.3.
Variant type: single nucleotide variant.
Coding change: c.1703-3T>C on transcript NM_001190274.2 (MANE Select); 3 bases into the intron before coding-DNA position 1703, T replaced by C.
Molecular consequence: intron variant.
Genome position (GRCh38, 1-based): chr2:47,820,459, A>G on the plus strand (T>C on the coding strand, the complement: FBXO11 is on the minus strand). VCF-style: chr2-47820459-A-G. GRCh37 (hg19) VCF-style: chr2-48047598-A-G.
Other names: c.1451-3T>C (NM_001374325.1, NM_025133.4).
Identifiers: ClinVar variation 1962112 (VCV001962112.5), dbSNP rs1261548353, ClinGen allele CA769479086.

ClinVar aggregate classification (germline): Uncertain significance (1 of 4 stars; one submission).

Allele frequency attached by ClinVar (database versions not stated): gnomAD exomes below 0.00001; TOPMed 0.00001.
gnomAD v4.1: 1 of 1,609,346 alleles (0.000062%); highest among the groups gnomAD compares: East Asian, 0.0022%; no homozygotes.

Submission:

Labcorp Genetics (formerly Invitae), Labcorp
Classification: Uncertain significance. Last evaluated: 2022-07-19. Review status: criteria provided, single submitter. Criteria: Invitae Variant Classification Sherloc (09022015). Collection method: clinical testing. Allele origin: germline.
Comment: In summary, the available evidence is currently insufficient to determine the role of this variant in disease. Therefore, it has been classified as a Variant of Uncertain Significance. Variants that disrupt the consensus splice site are a relatively common cause of aberrant splicing (PMID: 17576681, 9536098). Algorithms developed to predict the effect of sequence changes on RNA splicing suggest that this variant is not likely to affect RNA splicing. This variant has not been reported in the literature in individuals affected with FBXO11-related conditions. This variant is not present in population databases (gnomAD no frequency). This sequence change falls in intron 13 of the FBXO11 gene. It does not directly change the encoded amino acid sequence of the FBXO11 protein. It affects a nucleotide within the consensus splice site.

Literature cited by the submitters: PubMed 17576681; PubMed 9536098.